The following is an entry in ClinVar:

NM_003242.6(TGFBR2):c.394A>T (p.Thr132Ser)

Gene: TGFBR2 (transforming growth factor beta receptor 2; plus strand). Cytogenetic location: 3p24.1.
Variant type: single nucleotide variant.
Coding change: c.394A>T on transcript NM_003242.6 (MANE Select); coding-DNA position 394, A replaced by T.
Protein change: p.Thr132Ser; replaces threonine 132 with serine.
Molecular consequence: missense variant. On other transcripts: intron variant (2).
Genome position (GRCh38, 1-based): chr3:30,650,400, A>T. VCF-style: chr3-30650400-A-T. GRCh37 (hg19) VCF-style: chr3-30691892-A-T.
Other names: c.394A>T (NM_003242.5); c.469A>T, p.Thr157Ser (NM_001024847.3, NM_001407126.1, NM_001407139.1); c.394A>T, p.Thr132Ser (NM_001407127.1, NM_001407130.1); c.421A>T, p.Thr141Ser (NM_001407128.1); c.289A>T, p.Thr97Ser (NM_001407129.1, NM_001407132.1, NM_001407133.1 and 3 more transcripts); c.170-21238A>T (NM_001407137.1); c.95-21238A>T (NM_001407138.1); short protein forms T132S, T157S, T141S, T97S.
Identifiers: ClinVar variation 2997898 (VCV002997898.5), dbSNP rs146497045, ClinGen allele CA351806992.

ClinVar aggregate classification (germline): Uncertain significance. Review status: criteria provided, multiple submitters, no conflicts (2 of 4 stars). 3 submissions from 3 submitters: Uncertain significance (3). Last evaluated 2025-04-04.

Conditions:
Familial thoracic aortic aneurysm and aortic dissection (TAAD). Also called: Thoracic aortic aneurysms and dissections. Identifiers: Orphanet 91387, MedGen C4707243, MONDO:0019625.

gnomAD v4.1: 1 of 1,613,728 alleles (0.000062%); no homozygotes.

Submissions (3):

Ambry Genetics
Classification: Uncertain significance for Familial thoracic aortic aneurysm and aortic dissection. Last evaluated: 2025-04-04. Review status: criteria provided, single submitter. Criteria: Ambry Variant Classification Scheme 2023. Collection method: clinical testing. Allele origin: germline.
Comment: The p.T132S variant (also known as c.394A>T), located in coding exon 3 of the TGFBR2 gene, results from an A to T substitution at nucleotide position 394. The threonine at codon 132 is replaced by serine, an amino acid with similar properties. This amino acid position is well conserved in available vertebrate species. In addition, this alteration is predicted to be tolerated by in silico analysis. Based on the available evidence, the clinical significance of this variant remains unclear.

Color Diagnostics, LLC DBA Color Health
Classification: Uncertain significance for Familial thoracic aortic aneurysm and aortic dissection. Last evaluated: 2024-05-22. Review status: criteria provided, single submitter. Criteria: ACMG Guidelines, 2015. Collection method: clinical testing. Allele origin: germline.
Comment: This missense variant replaces threonine with serine at codon 132 of the TGFBR2 protein. Computational prediction tools indicate that this variant has a neutral impact on protein structure and function. Splice site prediction tools are inconclusive regarding the impact of this variant on RNA splicing. To our knowledge, functional studies have not been reported for this variant. This variant has not been reported in individuals affected with TGFBR2-related disorders in the literature. This variant has not been identified in the general population by the Genome Aggregation Database (gnomAD). The available evidence is insufficient to determine the role of this variant in disease conclusively. Therefore, this variant is classified as a Variant of Uncertain Significance.

Labcorp Genetics (formerly Invitae), Labcorp
Classification: Uncertain significance for Familial thoracic aortic aneurysm and aortic dissection. Last evaluated: 2023-05-12. Review status: criteria provided, single submitter. Criteria: Invitae Variant Classification Sherloc (09022015). Collection method: clinical testing. Allele origin: germline.
Comment: This sequence change replaces threonine, which is neutral and polar, with serine, which is neutral and polar, at codon 132 of the TGFBR2 protein (p.Thr132Ser). This variant is not present in population databases (gnomAD no frequency). This variant has not been reported in the literature in individuals affected with TGFBR2-related conditions. Advanced modeling of protein sequence and biophysical properties (such as structural, functional, and spatial information, amino acid conservation, physicochemical variation, residue mobility, and thermodynamic stability) performed at Invitae indicates that this missense variant is not expected to disrupt TGFBR2 protein function. Algorithms developed to predict the effect of sequence changes on RNA splicing suggest that this variant may create or strengthen a splice site. In summary, the available evidence is currently insufficient to determine the role of this variant in disease. Therefore, it has been classified as a Variant of Uncertain Significance.